The following is an entry in ClinVar:

NM_007118.4(TRIO):c.7978C>T (p.Arg2660Trp)

Gene: TRIO (trio Rho guanine nucleotide exchange factor; plus strand). Cytogenetic location: 5p15.2.
Variant type: single nucleotide variant.
Coding change: c.7978C>T on transcript NM_007118.4 (MANE Select); coding-DNA position 7978, C replaced by T.
Protein change: p.Arg2660Trp; replaces arginine 2660 with tryptophan.
Molecular consequence: missense variant. On other transcripts: non-coding transcript variant (1).
Genome position (GRCh38, 1-based): chr5:14,496,976, C>T. VCF-style: chr5-14496976-C-T. GRCh37 (hg19) VCF-style: chr5-14497085-C-T.
Other names: c.7978C>T (NM_007118.2, NM_007118.3); short protein forms R2660W.
Identifiers: ClinVar variation 871183 (VCV000871183.44), dbSNP rs748596743, ClinGen allele CA3207674.

ClinVar aggregate classification (germline): Uncertain significance. Review status: criteria provided, multiple submitters, no conflicts (2 of 4 stars). 3 submissions from 3 submitters: Uncertain significance (3). Last evaluated 2025-01-09.

Conditions:
TRIO-related disorder. Also called: TRIO-related condition; TRIO-related disorders.
Inborn genetic diseases. Identifiers: MedGen C0950123, MeSH D030342.

Allele frequency attached by ClinVar (database versions not stated): gnomAD 0.00001; gnomAD exomes 0.00001 and 0.00002; ExAC 0.00002; TOPMed 0.00002.
gnomAD v4.1: 14 of 1,614,066 alleles (0.00087%); highest among the groups gnomAD compares: Middle Eastern, 0.016%; no homozygotes.

Submissions (3):

PreventionGenetics, part of Exact Sciences
Classification: Uncertain significance for TRIO-related condition. Last evaluated: 2025-01-09. Review status: criteria provided, single submitter. Criteria: ACMG Guidelines, 2015. Collection method: clinical testing. Allele origin: germline.
Comment: The TRIO c.7978C>T variant is predicted to result in the amino acid substitution p.Arg2660Trp. To our knowledge, this variant has not been reported in the literature. This variant is reported in 0.0035% of alleles in individuals of European (Non-Finnish) descent in gnomAD. At this time, the clinical significance of this variant is uncertain due to the absence of conclusive functional and genetic evidence.

CeGaT Center for Human Genetics Tuebingen
Classification: Uncertain significance. Last evaluated: 2022-12-01. Review status: criteria provided, single submitter. Criteria: CeGaT Center For Human Genetics Tuebingen Variant Classification Criteria Version 2. Collection method: clinical testing. Allele origin: germline. Affected: yes. Observed: 4 variant alleles.

Ambry Genetics
Classification: Uncertain significance for Inborn genetic diseases. Last evaluated: 2022-01-31. Review status: criteria provided, single submitter. Criteria: Ambry Variant Classification Scheme 2023. Collection method: clinical testing. Allele origin: germline.